The following is an entry in ClinVar:

ClinVar aggregate classification (germline): Uncertain significance (1 of 4 stars; one submission).

Conditions:
FG syndrome (FGS). Identifiers: MedGen C0220769, MONDO:0002010.

Submission:

Labcorp Genetics (formerly Invitae), Labcorp
Classification: Uncertain significance for FG syndrome. Last evaluated: 2023-11-14. Review status: criteria provided, single submitter. Criteria: Invitae Variant Classification Sherloc (09022015). Collection method: clinical testing. Allele origin: unknown.
Comment: A copy number gain of the genomic region encompassing the full coding sequence of the MED12 gene has been identified. The boundaries of this event are unknown as they extend beyond the assayed region for this gene and therefore may encompass additional genes. As the precise location of this event is unknown, it may be in tandem or it may be located elsewhere in the genome. This variant has not been reported in the literature in individuals affected with MED12-related conditions. In summary, the available evidence is currently insufficient to determine the role of this variant in disease. Therefore, it has been classified as a Variant of Uncertain Significance.

NC_000023.10:g.(?_70338605)_(70362068_?)dup

Gene: MED12 (mediator complex subunit 12; plus strand). Cytogenetic location: Xq13.1.
Variant type: Duplication.
Identifiers: ClinVar variation 3243846 (VCV003243846.1).